The following is an entry in ClinVar:

ClinVar aggregate classification (germline): Conflicting classifications of pathogenicity. Review status: criteria provided, conflicting classifications (1 of 4 stars). 7 submissions from 7 submitters: Uncertain significance (3); Benign (1); Likely benign (3). Last evaluated 2025-12-28.

Conditions:
Hereditary cancer-predisposing syndrome. Also called: Tumor predisposition; Hereditary Cancer Syndrome; Neoplastic Syndromes, Hereditary; Hereditary neoplastic syndrome. Identifiers: Orphanet 140162, MedGen C0027672, MeSH D009386, MONDO:0015356.
Hereditary breast ovarian cancer syndrome. Also called: Hereditary breast and ovarian cancer; Breast and ovarian cancer; Hereditary breast and/or ovarian cancer syndrome; BRCA1- and BRCA2-Associated Hereditary Breast and Ovarian Cancer; Hereditary breast and ovarian cancer syndrome; Hereditary breast and ovarian cancer syndrome (HBOC). Identifiers: Orphanet 145, MedGen C0677776, MeSH D061325, MONDO:0003582. Disease mechanism: loss of function.
Breast-ovarian cancer, familial, susceptibility to, 2 (BROVCA2). Also called: BRCA2 Hereditary Breast and Ovarian Cancer. Identifiers: Orphanet 145, MedGen C2675520, MONDO:0012933, OMIM 612555. Disease mechanism: loss of function.

Allele frequency attached by ClinVar (database versions not stated): TOPMed 0.00002.
gnomAD v4.1: 3 of 1,605,158 alleles (0.00019%); highest among the groups gnomAD compares: African/African-American, 0.0013%; no homozygotes.

Submissions (7):

Labcorp Genetics (formerly Invitae), Labcorp
Classification: Uncertain significance for Hereditary breast ovarian cancer syndrome. Last evaluated: 2025-12-28. Review status: criteria provided, single submitter. Criteria: Invitae Variant Classification Sherloc (09022015). Collection method: clinical testing. Allele origin: germline.
Comment: This sequence change replaces histidine, which is basic and polar, with tyrosine, which is neutral and polar, at codon 1731 of the BRCA2 protein (p.His1731Tyr). This variant is present in population databases (rs80358745, gnomAD 0.002%). This missense change has been observed in individual(s) with breast cancer (PMID: 20104584, 27062684, 28263838). This variant is also known as 5419C>T. ClinVar contains an entry for this variant (Variation ID: 252409). Invitae Evidence Modeling of protein sequence and biophysical properties (such as structural, functional, and spatial information, amino acid conservation, physicochemical variation, residue mobility, and thermodynamic stability) indicates that this missense variant is not expected to disrupt BRCA2 protein function with a negative predictive value of 95%. In summary, the available evidence is currently insufficient to determine the role of this variant in disease. Therefore, it has been classified as a Variant of Uncertain Significance.

Ambry Genetics
Classification: Likely benign for Hereditary cancer-predisposing syndrome. Last evaluated: 2025-05-02. Review status: criteria provided, single submitter. Criteria: Ambry Variant Classification Scheme 2023. Collection method: clinical testing. Allele origin: germline.

Center for Genomic Medicine, Rigshospitalet, Copenhagen University Hospital
Classification: Likely benign. Last evaluated: 2025-03-04. Review status: criteria provided, single submitter. Criteria: ACMG Guidelines, 2015. Collection method: clinical testing. Allele origin: germline.

Quest Diagnostics Nichols Institute San Juan Capistrano
Classification: Uncertain significance. Last evaluated: 2025-01-30. Review status: criteria provided, single submitter. Criteria: Quest Diagnostics criteria. Collection method: clinical testing. Allele origin: unknown.
Comment: The BRCA2 c.5191C>T (p.His1731Tyr) variant has been reported in the published literature in individuals and families affected with breast and/or ovarian cancer (PMIDs: 34917121 (2021), 27062684 (2016), 20104584 (2010)), one of which was also positive for a frameshift BRCA2 variant (PMID:32438681 (2000)). Additionally, the variant described to be in a region of the BRCA2 gene that is tolerant to missense sequences changes (PMID: 31911673 (2020)). The frequency of this variant in the general population (Genome Aggregation Database) is uninformative in the assessment of its pathogenicity. Analysis of this variant using bioinformatics tools for the prediction of the effect of amino acid changes on protein structure and function yielded conflicting predictions that this variant is benign or damaging. Based on the available information, we are unable to determine the clinical significance of this variant.

Myriad Genetics, Inc.
Classification: Benign for Breast-ovarian cancer, familial, susceptibility to, 2. Last evaluated: 2023-06-23. Review status: criteria provided, single submitter. Criteria: Myriad Autosomal Dominant, Autosomal Recessive and X-Linked Classification Criteria (2023). Collection method: clinical testing. Allele origin: unknown.
Comment: This variant is considered benign. This variant has been observed in trans with a known pathogenic variant in one or more individuals lacking clinical features consistent with gene-specific recessive disease. This variant is strongly associated with less severe personal and family histories of cancer, typical for individuals without pathogenic variants in this gene [PMID: 25085752].

University of Washington Department of Laboratory Medicine, University of Washington
Classification: Likely benign for Hereditary cancer-predisposing syndrome. Last evaluated: 2023-03-23. Review status: criteria provided, single submitter. Criteria: Dines et al. (Genet Med. 2020). Collection method: curation. Allele origin: germline.
Comment: Missense variant in a coldspot region where missense variants are very unlikely to be pathogenic (PMID:31911673).

BRCA2 exon 11 coldspot. Reclassification based on statistical prior probability.

Women's Health and Genetics/Laboratory Corporation of America, LabCorp
Classification: Uncertain significance. Last evaluated: 2019-09-16. Review status: criteria provided, single submitter. Criteria: LabCorp Variant Classification Summary - May 2015. Collection method: clinical testing. Allele origin: germline.
Comment: Variant summary: BRCA2 c.5191C>T (p.His1731Tyr) results in a conservative amino acid change in the encoded protein sequence. Four of five in-silico tools predict a benign effect of the variant on protein function. The variant allele was found at a frequency of 8.2e-06 in 243804 control chromosomes. The available data on variant occurrences in the general population are insufficient to allow any conclusion about variant significance. c.5191C>T has been reported in the literature in individuals affected with Hereditary Breast and Ovarian Cancer (Borg_2010, Azzollini_2016, Zanella_2017). One of these publications reported this variant in a proband who carried another pathogenic mutation, however the exact identity of this co-occurring variant was not specified (Azzollini_2016). To our knowledge, no experimental evidence demonstrating an impact on protein function has been reported. Three clinical diagnostic laboratories have submitted clinical-significance assessments for this variant to ClinVar after 2014 without evidence for independent evaluation. All laboratories classified the variant as uncertain significance. Based on the evidence outlined above, the variant was classified as uncertain significance.

Literature cited by the submitters: PubMed 20104584 (cited by 4 submitters); PubMed 27062684 (cited by 4 submitters); PubMed 28263838 (cited by 3 submitters); PubMed 32438681 (cited by Ambry Genetics and Quest Diagnostics Nichols Institute San Juan Capistrano); PubMed 34917121 (cited by Ambry Genetics and Quest Diagnostics Nichols Institute San Juan Capistrano); PubMed 31911673 (cited by Quest Diagnostics Nichols Institute San Juan Capistrano); PubMed 26295337 (cited by Quest Diagnostics Nichols Institute San Juan Capistrano); PubMed 25085752 (cited by Myriad Genetics, Inc.).

NM_000059.4(BRCA2):c.5191C>T (p.His1731Tyr)

Gene: BRCA2 (BRCA2 DNA repair associated; plus strand). Cytogenetic location: 13q13.1.
Variant type: single nucleotide variant.
Coding change: c.5191C>T on transcript NM_000059.4 (MANE Select); coding-DNA position 5191, C replaced by T.
Protein change: p.His1731Tyr; replaces histidine 1731 with tyrosine.
Molecular consequence: missense variant.
Genome position (GRCh38, 1-based): chr13:32,339,546, C>T. VCF-style: chr13-32339546-C-T. GRCh37 (hg19) VCF-style: chr13-32913683-C-T.
Other names: short protein forms H1731Y.
Identifiers: ClinVar variation 252409 (VCV000252409.24), dbSNP rs80358745, ClinGen allele CA6940854.
Genomic context (GRCh38, chr13:32,339,546, plus strand): 5'-GTAGGAAATTATTTGTATGAAAATAATTCAAACAGTACTATAGCTGAAAATGACAAAAAT[C>T]ATCTCTCCGAAAAACAAGATACTTATTTAAGTAACAGTAGCATGTCTAACAGCTATTCCT-3'
Protein context (NP_000050.3, residues 1721-1741): NSTIAENDKN[His1731Tyr]LSEKQDTYLS